The following is an entry in ClinVar:

ClinVar aggregate classification (germline): Likely benign (0 of 4 stars; one submission).

Conditions:
Duchenne muscular dystrophy (DMD). Also called: MUSCULAR DYSTROPHY, PSEUDOHYPERTROPHIC PROGRESSIVE, DUCHENNE TYPE; Duchenne Muscular Dystrophy (DMD). Identifiers: Orphanet 98896, MedGen C0013264, MONDO:0010679, OMIM 310200.
Becker muscular dystrophy (BMD). Also called: MUSCULAR DYSTROPHY, PSEUDOHYPERTROPHIC PROGRESSIVE, BECKER TYPE; Becker Muscular Dystrophy (BMD). Identifiers: Orphanet 98895, MedGen C0917713, MONDO:0010311, OMIM 300376.

Submission:

Institute of Medical Genetics, University of Zurich
Classification: Likely benign for Duchenne muscular dystrophy; Becker muscular dystrophy. Last evaluated: 2024-05-24. Review status: no assertion criteria provided. Collection method: clinical testing. Allele origin: germline. Affected: no.
Comment: Observed in a three-generation family with unaffected carrier males and females, further support from published literature (for details see Buerger et al., Am J Med Genet A, in press

NC_000023.10:g.31890407_31909106del

Gene: DMD (dystrophin; minus strand). Cytogenetic location: Xp21.1.
Variant type: Deletion.
Identifiers: ClinVar variation 3237210 (VCV003237210.1).